The following is an entry in ClinVar:

ClinVar aggregate classification (germline): Conflicting classifications of pathogenicity. Review status: criteria provided, conflicting classifications (1 of 4 stars). 5 submissions from 5 submitters: Likely pathogenic (1); Uncertain significance (3). 1 of the submissions does not count toward it. Last evaluated 2024-04-15.

Conditions:
Cardiovascular phenotype. Identifiers: MedGen CN230736.
Familial long QT syndrome (RWS). Also called: Congenital long QT syndrome; Romano-Ward syndrome; VENTRICULAR FIBRILLATION WITH PROLONGED QT INTERVAL. Identifiers: Orphanet 768, MedGen C1141890, MONDO:0019171.
Long QT syndrome (LQTS). Identifiers: MedGen C0023976, MeSH D008133, MONDO:0002442. Disease mechanism: loss of function. Inheritance: Various modes of inheritance.

Submissions (5):

Labcorp Genetics (formerly Invitae), Labcorp
Classification: Uncertain significance for Long QT syndrome. Last evaluated: 2024-04-15. Review status: criteria provided, single submitter. Criteria: Invitae Variant Classification Sherloc (09022015). Collection method: clinical testing. Allele origin: germline.
Comment: This sequence change replaces alanine, which is neutral and non-polar, with valine, which is neutral and non-polar, at codon 226 of the KCNQ1 protein (p.Ala226Val). This variant is not present in population databases (gnomAD no frequency). This missense change has been observed in individual(s) with long QT syndrome (PMID: 15234419, 24606995; Invitae). ClinVar contains an entry for this variant (Variation ID: 67097). Advanced modeling of protein sequence and biophysical properties (such as structural, functional, and spatial information, amino acid conservation, physicochemical variation, residue mobility, and thermodynamic stability) performed at Invitae indicates that this missense variant is expected to disrupt KCNQ1 protein function with a positive predictive value of 95%. In summary, the available evidence is currently insufficient to determine the role of this variant in disease. Therefore, it has been classified as a Variant of Uncertain Significance.

All of Us Research Program, National Institutes of Health
Classification: Uncertain significance for Long QT syndrome. Last evaluated: 2024-03-05. Review status: criteria provided, single submitter. Criteria: ACMG Guidelines, 2015. Collection method: clinical testing. Allele origin: germline. Inheritance: Autosomal dominant inheritance. Observed: 1 variant allele, 1 heterozygote.
Comment: This study involves interpretation of variants in research participants for the purpose of population health screening. Participant phenotype was not available at the time of variant classification. Additional details can be found in publication PMID: 35346344, PMCID: PMC8962531

Ambry Genetics
Classification: Likely pathogenic for Cardiovascular phenotype. Last evaluated: 2022-09-02. Review status: criteria provided, single submitter. Criteria: Ambry Variant Classification Scheme 2023. Collection method: clinical testing. Allele origin: germline.
Comment: The p.A226V variant (also known as c.677C>T), located in coding exon 4 of the KCNQ1 gene, results from a C to T substitution at nucleotide position 677. The alanine at codon 226 is replaced by valine, an amino acid with similar properties. This alteration has been detected in several individuals with long QT syndrome (LQTS) (Shimizu W et al. J. Am. Coll. Cardiol., 2004 Jul;44:117-25; Horigome H et al. Circ Arrhythm Electrophysiol, 2011 Aug;4:456-64; Jons C et al. J. Cardiovasc. Electrophysiol., 2009 Aug;20:859-65; Christiansen M et al. BMC Med. Genet., 2014 Mar;15:31). This variant is considered to be rare based on population cohorts in the Genome Aggregation Database (gnomAD). This amino acid position is highly conserved in available vertebrate species. In addition, this alteration is predicted to be deleterious by in silico analysis. Based on the majority of available evidence to date, this variant is likely to be pathogenic.

GeneDx
Classification: Uncertain significance. Last evaluated: 2017-11-01. Review status: criteria provided, single submitter. Criteria: GeneDx Variant Classification (06012015). Collection method: clinical testing. Allele origin: germline. Affected: yes.
Comment: A variant of uncertain significance has been identified in the KCNQ1 gene. The A226V variant has been reported in association with LQTS (Moss et al., 2007); however, additional clinical information was not provided. Additionally, this variant has been reported in patients with fetal arrhythmia who did not have a definitive diagnosis of LQTS (Mitchell et al., 2012; Cuneo et al., 2013). The A226V variant is not observed in large population cohorts (Lek et al., 2016). Located in the voltage sensor S4 domain, this substitution occurs at a position that is conserved across species. In silico analysis predicts this variant is probably damaging to the protein structure/function. However, the A226V variant is a conservative amino acid substitution, which is not likely to impact secondary protein structure as these residues share similar properties.

Cardiovascular Biomedical Research Unit, Royal Brompton & Harefield NHS Foundation Trust
No classification provided. Condition: Familial long QT syndrome. Review status: no classification provided. Collection method: literature only. Allele origin: germline. Not counted in ClinVar's aggregate classification.
Comment: This variant has been reported as associated with Long QT syndrome in the following publications (PMID:15234419;PMID:17470695). This is a literature report, and does not necessarily reflect the clinical interpretation of the Imperial College / Royal Brompton Cardiovascular Genetics laboratory.

Literature cited by the submitters: PubMed 15234419 (cited by 3 submitters); PubMed 24606995 (cited by Labcorp Genetics (formerly Invitae), Labcorp and Ambry Genetics); PubMed 15635208 (cited by Ambry Genetics); PubMed 17470695 (cited by Ambry Genetics and Cardiovascular Biomedical Research Unit, Royal Brompton & Harefield NHS Foundation Trust); PubMed 19490272 (cited by Ambry Genetics); PubMed 19716085 (cited by Ambry Genetics); PubMed 21511995 (cited by Ambry Genetics); PubMed 23124029 (cited by Ambry Genetics); PubMed 24363352 (cited by Ambry Genetics); PubMed 22581653 (cited by Cardiovascular Biomedical Research Unit, Royal Brompton & Harefield NHS Foundation Trust).

NM_000218.3(KCNQ1):c.677C>T (p.Ala226Val)

Gene: KCNQ1 (potassium voltage-gated channel subfamily Q member 1; plus strand). Cytogenetic location: 11p15.5.
Variant type: single nucleotide variant.
Coding change: c.677C>T on transcript NM_000218.3 (MANE Select); coding-DNA position 677, C replaced by T.
Protein change: p.Ala226Val; replaces alanine 226 with valine.
Molecular consequence: missense variant.
Genome position (GRCh38, 1-based): chr11:2,571,397, C>T. VCF-style: chr11-2571397-C-T. GRCh37 (hg19) VCF-style: chr11-2592627-C-T.
Other names: c.677C>T (LRG_287t1); c.677C>T, p.Ala226Val (NM_001406836.1); c.407C>T, p.Ala136Val (NM_001406837.1); c.296C>T, p.Ala99Val (NM_181798.2); short protein forms A226V, A99V, A136V.
Identifiers: ClinVar variation 67097 (VCV000067097.13), dbSNP rs199472707, ClinGen allele CA007880.